The following is an entry in ClinVar:

ClinVar aggregate classification (germline): Uncertain significance. Review status: criteria provided, multiple submitters, no conflicts (2 of 4 stars). 3 submissions from 3 submitters: Uncertain significance (3). Last evaluated 2025-12-01.

Conditions:
Hereditary cancer-predisposing syndrome. Also called: Tumor predisposition; Neoplastic Syndromes, Hereditary; Hereditary Cancer Syndrome; Hereditary neoplastic syndrome. Identifiers: Orphanet 140162, MedGen C0027672, MeSH D009386, MONDO:0015356.
Familial cancer of breast. Also called: Hereditary breast cancer; BREAST CANCER, FAMILIAL; hereditary breast carcinoma. Identifiers: Orphanet 227535, MedGen C0346153, MONDO:0016419, OMIM 114480. Disease mechanism: loss of function.

gnomAD v4.1: 1 of 1,611,694 alleles (0.000062%); highest among the groups gnomAD compares: Admixed American, 0.0017%; no homozygotes.

Submissions (3):

Labcorp Genetics (formerly Invitae), Labcorp
Classification: Uncertain significance for Familial cancer of breast. Last evaluated: 2025-12-01. Review status: criteria provided, single submitter. Criteria: Invitae Variant Classification Sherloc (09022015). Collection method: clinical testing. Allele origin: germline.
Comment: This sequence change replaces tyrosine, which is neutral and polar, with histidine, which is basic and polar, at codon 1185 of the PALB2 protein (p.Tyr1185His). This variant is not present in population databases (gnomAD no frequency). This variant has not been reported in the literature in individuals affected with PALB2-related conditions. ClinVar contains an entry for this variant (Variation ID: 241566). An algorithm developed to predict the effect of missense changes on protein structure and function (PolyPhen-2) suggests that this variant is likely to be disruptive. In summary, the available evidence is currently insufficient to determine the role of this variant in disease. Therefore, it has been classified as a Variant of Uncertain Significance.

Ambry Genetics
Classification: Uncertain significance for Hereditary cancer-predisposing syndrome. Last evaluated: 2024-08-30. Review status: criteria provided, single submitter. Criteria: Ambry Variant Classification Scheme 2023. Collection method: clinical testing. Allele origin: germline.
Comment: The p.Y1185H variant (also known as c.3553T>C), located in coding exon 13 of the PALB2 gene, results from a T to C substitution at nucleotide position 3553. The tyrosine at codon 1185 is replaced by histidine, an amino acid with similar properties. This amino acid position is conserved. In addition, this alteration is predicted to be tolerated by in silico analysis. Based on the available evidence, the clinical significance of this variant remains unclear.

Color Diagnostics, LLC DBA Color Health
Classification: Uncertain significance for Hereditary cancer-predisposing syndrome. Last evaluated: 2023-08-31. Review status: criteria provided, single submitter. Criteria: ACMG Guidelines, 2015. Collection method: clinical testing. Allele origin: germline.
Comment: This variant is located in the PALB2 protein. Computational prediction suggests that this variant may not impact protein structure and function (internally defined REVEL score threshold <= 0.5, PMID: 27666373). To our knowledge, functional studies have not been reported for this variant. This variant has not been reported in individuals affected with PALB2-related disorders in the literature. This variant has not been identified in the general population by the Genome Aggregation Database (gnomAD). The available evidence is insufficient to determine the role of this variant in disease conclusively. Therefore, this variant is classified as a Variant of Uncertain Significance.

NM_024675.4(PALB2):c.3553T>C (p.Tyr1185His)

Gene: PALB2 (partner and localizer of BRCA2; minus strand). Cytogenetic location: 16p12.2.
Variant type: single nucleotide variant.
Coding change: c.3553T>C on transcript NM_024675.4 (MANE Select); coding-DNA position 3553, T replaced by C.
Protein change: p.Tyr1185His; replaces tyrosine 1185 with histidine.
Molecular consequence: missense variant.
Genome position (GRCh38, 1-based): chr16:23,603,467, A>G on the plus strand (T>C on the coding strand, the complement: PALB2 is on the minus strand). VCF-style: chr16-23603467-A-G. GRCh37 (hg19) VCF-style: chr16-23614788-A-G.
Other names: short protein forms Y1185H.
Identifiers: ClinVar variation 241566 (VCV000241566.14), dbSNP rs878855120, ClinGen allele CA10583348.